The following is an entry in ClinVar:

ClinVar aggregate classification (germline): Uncertain significance. Review status: criteria provided, multiple submitters, no conflicts (2 of 4 stars). 3 submissions from 3 submitters: Uncertain significance (3). Last evaluated 2024-04-04.

Conditions:
Polycystic kidney disease, adult type (PKD1). Also called: Polycystic Kidney Disease 1, Autosomal Dominant; Polycystic kidney disease 1; Polycystic kidney disease 1, severe; Polycystic Kidney, Autosomal Dominant; POLYCYSTIC KIDNEY DISEASE 1 WITH OR WITHOUT POLYCYSTIC LIVER DISEASE; POLYCYSTIC KIDNEY DISEASE, ADULT, TYPE I. Identifiers: MedGen C3149841, MONDO:0008263, OMIM 173900.

Submissions (3):

Fulgent Genetics
Classification: Uncertain significance for Polycystic kidney disease, adult type. Last evaluated: 2024-04-04. Review status: criteria provided, single submitter. Criteria: ACMG Guidelines, 2015. Collection method: clinical testing. Allele origin: germline.

Women's Health and Genetics/Laboratory Corporation of America, LabCorp
Classification: Uncertain significance. Last evaluated: 2023-08-08. Review status: criteria provided, single submitter. Criteria: LabCorp Variant Classification Summary - May 2015. Collection method: clinical testing. Allele origin: germline.
Comment: Variant summary: PKD1 c.3727T>G (p.Trp1243Gly) results in a non-conservative amino acid change located in the PKD domain (IPR000601) of the encoded protein sequence. Four of five in-silico tools predict a damaging effect of the variant on protein function. The variant was absent in 242354 control chromosomes. The available data on variant occurrences in the general population are insufficient to allow any conclusion about variant significance. To our knowledge, no occurrence of c.3727T>G in individuals affected with Polycystic Kidney Disease 1 and no experimental evidence demonstrating its impact on protein function have been reported. One submitter has cited clinical-significance assessments for this variant to ClinVar after 2014 and has classified the variant as uncertain significance. Based on the evidence outlined above, the variant was classified as uncertain significance.

GeneDx
Classification: Uncertain significance. Last evaluated: 2022-02-04. Review status: criteria provided, single submitter. Criteria: GeneDx Variant Classification Process June 2021. Collection method: clinical testing. Allele origin: germline. Affected: yes.
Comment: Not observed at significant frequency in large population cohorts (gnomAD); In silico analysis supports that this missense variant has a deleterious effect on protein structure/function; Has not been previously published as pathogenic or benign to our knowledge

NM_001009944.3(PKD1):c.3727T>G (p.Trp1243Gly)

Gene: PKD1 (polycystin 1, transient receptor potential channel interacting; minus strand). Cytogenetic location: 16p13.3.
Variant type: single nucleotide variant.
Coding change: c.3727T>G on transcript NM_001009944.3 (MANE Select); coding-DNA position 3727, T replaced by G.
Protein change: p.Trp1243Gly; replaces tryptophan 1243 with glycine.
Molecular consequence: missense variant.
Genome position (GRCh38, 1-based): chr16:2,111,440, A>C on the plus strand (T>G on the coding strand, the complement: PKD1 is on the minus strand). VCF-style: chr16-2111440-A-C. GRCh37 (hg19) VCF-style: chr16-2161441-A-C.
Other names: c.3727T>G, p.Trp1243Gly (NM_000296.4); short protein forms W1243G.
Identifiers: ClinVar variation 1700538 (VCV001700538.4), dbSNP rs2151800134, ClinGen allele CA394382489.
Genomic context (GRCh38, chr16:2,111,440, plus strand): 5'-CATGCTCCACTGTTGCCTCCGGGCCCGACAGCACGGTGCCGTCCCCCATGTCGAAGGTCC[A>C]CGTGATGTTGTCGCCCGTCTGCACCGCGGCGCTGACCACCACGGGGGCGCCCTGCTCCAC-3'
Protein context (NP_001009944.3, residues 1233-1253): AAVQTGDNIT[Trp1243Gly]TFDMGDGTVL